The following is an entry in ClinVar:

NM_002693.3(POLG):c.1524C>T (p.Ala508=)

Gene: POLG (DNA polymerase gamma, catalytic subunit; minus strand). Cytogenetic location: 15q26.1.
Variant type: single nucleotide variant.
Coding change: c.1524C>T on transcript NM_002693.3 (MANE Select); coding-DNA position 1524, C replaced by T.
Protein change: p.Ala508=; no amino-acid change (alanine 508 retained).
Molecular consequence: synonymous variant.
Genome position (GRCh38, 1-based): chr15:89,326,973, G>A on the plus strand (C>T on the coding strand, the complement: POLG is on the minus strand). VCF-style: chr15-89326973-G-A. GRCh37 (hg19) VCF-style: chr15-89870204-G-A.
Other names: c.1524C>T, p.Ala508= (NM_001126131.2).
Identifiers: ClinVar variation 389502 (VCV000389502.3), dbSNP rs1057523450, ClinGen allele CA16607071.

ClinVar aggregate classification (germline): Likely benign. Review status: criteria provided, multiple submitters, no conflicts (2 of 4 stars). 2 submissions from 2 submitters: Likely benign (2). Last evaluated 2024-05-31.

Conditions:
Progressive sclerosing poliodystrophy (MTDPS4A). Also called: ALPERS PROGRESSIVE INFANTILE POLIODYSTROPHY; NEURONAL DEGENERATION OF CHILDHOOD WITH LIVER DISEASE, PROGRESSIVE; Alpers-Huttenlocher Syndrome (AHS); Alpers Syndrome; Mitochondrial DNA Depletion Syndrome 4A; ALPERS DIFFUSE DEGENERATION OF CEREBRAL GRAY MATTER WITH HEPATIC CIRRHOSIS. Identifiers: Orphanet 726, MedGen C0205710, MONDO:0008758, OMIM 203700.

Submissions (2):

Labcorp Genetics (formerly Invitae), Labcorp
Classification: Likely benign for Progressive sclerosing poliodystrophy. Last evaluated: 2024-05-31. Review status: criteria provided, single submitter. Criteria: Invitae Variant Classification Sherloc (09022015). Collection method: clinical testing. Allele origin: germline.

GeneDx
Classification: Likely benign. Last evaluated: 2016-09-27. Review status: criteria provided, single submitter. Criteria: GeneDx Variant Classification (06012015). Collection method: clinical testing. Allele origin: germline. Affected: yes.
Comment: This variant is considered likely benign or benign based on one or more of the following criteria: it is a conservative change, it occurs at a poorly conserved position in the protein, it is predicted to be benign by multiple in silico algorithms, and/or has population frequency not consistent with disease.